The following is an entry in ClinVar:

ClinVar aggregate classification (germline): Pathogenic (1 of 4 stars; one submission).

gnomAD v4.1: 1 of 1,608,966 alleles (0.000062%); no homozygotes.

Submission:

Labcorp Genetics (formerly Invitae), Labcorp
Classification: Pathogenic. Last evaluated: 2023-05-21. Review status: criteria provided, single submitter. Criteria: Invitae Variant Classification Sherloc (09022015). Collection method: clinical testing. Allele origin: germline.
Comment: For these reasons, this variant has been classified as Pathogenic. This variant disrupts a region of the GDF5 protein in which other variant(s) (p.Arg380Gln) have been determined to be pathogenic (PMID: 18203755). This suggests that this is a clinically significant region of the protein, and that variants that disrupt it are likely to be disease-causing. This variant has not been reported in the literature in individuals affected with GDF5-related conditions. This variant is not present in population databases (gnomAD no frequency). This sequence change creates a premature translational stop signal (p.Ser306*) in the GDF5 gene. While this is not anticipated to result in nonsense mediated decay, it is expected to disrupt the last 196 amino acid(s) of the GDF5 protein.

Literature cited by the submitters: PubMed 18203755.

NM_000557.5(GDF5):c.917C>A (p.Ser306Ter)

Genes: GDF5 (growth differentiation factor 5; minus strand), GDF5-AS1 (GDF5 antisense RNA 1; plus strand). Cytogenetic location: 20q11.22.
Variant type: single nucleotide variant.
Coding change: c.917C>A on transcript NM_000557.5 (MANE Select); coding-DNA position 917, C replaced by A.
Protein change: p.Ser306Ter; replaces serine 306 with a stop codon.
Molecular consequence: nonsense. On other transcripts: non-coding transcript variant (1).
Genome position (GRCh38, 1-based): chr20:35,434,498, G>T on the plus strand (C>A on the coding strand, the complement: GDF5 is on the minus strand). VCF-style: chr20-35434498-G-T. GRCh37 (hg19) VCF-style: chr20-34022296-G-T.
Other names: c.917C>A, p.Ser306Ter (NM_001319138.2); short protein forms S306*.
Identifiers: ClinVar variation 2866746 (VCV002866746.3), dbSNP rs762071973, ClinGen allele CA408740757.